The following is an entry in ClinVar:

ClinVar aggregate classification (germline): Uncertain significance (1 of 4 stars; one submission).

Conditions:
Tuberous sclerosis 2 (TSC2). Identifiers: Orphanet 805, MedGen C1860707, MONDO:0013199, OMIM 613254.

Submission:

Labcorp Genetics (formerly Invitae), Labcorp
Classification: Uncertain significance for Tuberous sclerosis 2. Last evaluated: 2022-10-27. Review status: criteria provided, single submitter. Criteria: Invitae Variant Classification Sherloc (09022015). Collection method: clinical testing. Allele origin: germline.
Comment: In summary, the available evidence is currently insufficient to determine the role of this variant in disease. Therefore, it has been classified as a Variant of Uncertain Significance. Algorithms developed to predict the effect of sequence changes on RNA splicing suggest that this variant may create or strengthen a splice site. Advanced modeling of protein sequence and biophysical properties (such as structural, functional, and spatial information, amino acid conservation, physicochemical variation, residue mobility, and thermodynamic stability) performed at Invitae indicates that this missense variant is not expected to disrupt TSC2 protein function. This variant has not been reported in the literature in individuals affected with TSC2-related conditions. This variant is not present in population databases (gnomAD no frequency). This sequence change replaces valine, which is neutral and non-polar, with leucine, which is neutral and non-polar, at codon 1531 of the TSC2 protein (p.Val1531Leu).

NM_000548.5(TSC2):c.4591G>T (p.Val1531Leu)

Gene: TSC2 (TSC complex subunit 2; plus strand). Cytogenetic location: 16p13.3.
Variant type: single nucleotide variant.
Coding change: c.4591G>T on transcript NM_000548.5 (MANE Select); coding-DNA position 4591, G replaced by T.
Protein change: p.Val1531Leu; replaces valine 1531 with leucine.
Molecular consequence: missense variant. On other transcripts: non-coding transcript variant (5).
Genome position (GRCh38, 1-based): chr16:2,085,251, G>T. VCF-style: chr16-2085251-G-T. GRCh37 (hg19) VCF-style: chr16-2135252-G-T.
Other names: c.3859G>T, p.Val1287Leu (NM_001318831.2); c.4423G>T, p.Val1475Leu (NM_001318832.2); c.4393G>T, p.Val1465Leu (NM_001363528.2); c.4459G>T, p.Val1487Leu (NM_001370404.1); c.4462G>T, p.Val1488Leu (NM_001370405.1, NM_021055.3); c.4588G>T, p.Val1530Leu (NM_001406663.1); c.4519G>T, p.Val1507Leu (NM_001406664.1); c.4513G>T, p.Val1505Leu (NM_001406665.1); and 26 more; short protein forms V1040L, V1458L, V1461L, V1465L, V1487L, V1494L, V1508L, V1530L.
Identifiers: ClinVar variation 2810197 (VCV002810197.3), dbSNP rs762797016, ClinGen allele CA394304496.